The following is an entry in ClinVar:

NM_078480.3(PUF60):c.1676C>T (p.Ala559Val)

Gene: PUF60 (poly(U) binding splicing factor 60; minus strand). Cytogenetic location: 8q24.3.
Variant type: single nucleotide variant.
Coding change: c.1676C>T on transcript NM_078480.3 (MANE Select); coding-DNA position 1676, C replaced by T.
Protein change: p.Ala559Val; replaces alanine 559 with valine.
Molecular consequence: missense variant.
Genome position (GRCh38, 1-based): chr8:143,816,524, G>A on the plus strand (C>T on the coding strand, the complement: PUF60 is on the minus strand). VCF-style: chr8-143816524-G-A. GRCh37 (hg19) VCF-style: chr8-144898694-G-A.
Other names: c.1547C>T, p.Ala516Val (NM_001136033.3); c.1622C>T, p.Ala541Val (NM_001271096.2); c.1538C>T, p.Ala513Val (NM_001271097.2); c.1673C>T, p.Ala558Val (NM_001271098.2); c.1589C>T, p.Ala530Val (NM_001271099.2); c.1496C>T, p.Ala499Val (NM_001271100.2); c.1787C>T, p.Ala596Val (NM_001362895.2, NM_001362896.2); c.1736C>T, p.Ala579Val (NM_001362897.2); and 1 more; short protein forms A516V, A513V, A558V, A579V, A596V, A499V, A530V, A541V.
Identifiers: ClinVar variation 3149778 (VCV003149778.3), dbSNP rs764674000, ClinGen allele CA187615495.

ClinVar aggregate classification (germline): Uncertain significance. Review status: criteria provided, multiple submitters, no conflicts (2 of 4 stars). 2 submissions from 2 submitters: Uncertain significance (2). Last evaluated 2026-05-01.

Conditions:
Inborn genetic diseases. Identifiers: MedGen C0950123, MeSH D030342.

Allele frequency attached by ClinVar (database versions not stated): ExAC 0.00001; gnomAD 0.00001; gnomAD exomes 0.00001.
gnomAD v4.1: 11 of 1,606,812 alleles (0.00068%); highest among the groups gnomAD compares: South Asian, 0.0044%; no homozygotes.

Submissions (2):

CeGaT Center for Human Genetics Tuebingen
Classification: Uncertain significance. Last evaluated: 2026-05-01. Review status: criteria provided, single submitter. Criteria: CeGaT Center For Human Genetics Tuebingen Variant Classification Criteria Version 2. Collection method: clinical testing. Allele origin: germline. Affected: yes. Observed: 1 variant allele.
Comment: PUF60: PP2

Ambry Genetics
Classification: Uncertain significance for Inborn genetic diseases. Last evaluated: 2023-12-12. Review status: criteria provided, single submitter. Criteria: Ambry Variant Classification Scheme 2023. Collection method: clinical testing. Allele origin: germline.